The following is an entry in ClinVar:

ClinVar aggregate classification (germline): Uncertain significance (1 of 4 stars; one submission).

Allele frequency attached by ClinVar (database versions not stated): gnomAD exomes below 0.00001; ExAC 0.00001.
gnomAD v4.1: 4 of 1,609,490 alleles (0.00025%); highest among the groups gnomAD compares: South Asian, 0.0033%; no homozygotes.

Submission:

Labcorp Genetics (formerly Invitae), Labcorp
Classification: Uncertain significance. Last evaluated: 2022-10-13. Review status: criteria provided, single submitter. Criteria: Invitae Variant Classification Sherloc (09022015). Collection method: clinical testing. Allele origin: germline.
Comment: In summary, the available evidence is currently insufficient to determine the role of this variant in disease. Therefore, it has been classified as a Variant of Uncertain Significance. Algorithms developed to predict the effect of missense changes on protein structure and function (SIFT, PolyPhen-2, Align-GVGD) all suggest that this variant is likely to be tolerated. This variant has not been reported in the literature in individuals affected with WHRN-related conditions. The frequency data for this variant in the population databases is considered unreliable, as metrics indicate poor data quality at this position in the gnomAD database. This sequence change replaces phenylalanine, which is neutral and non-polar, with leucine, which is neutral and non-polar, at codon 58 of the WHRN protein (p.Phe58Leu).

NM_015404.4(WHRN):c.172T>C (p.Phe58Leu)

Gene: WHRN (whirlin; minus strand). Cytogenetic location: 9q32.
Variant type: single nucleotide variant.
Coding change: c.172T>C on transcript NM_015404.4 (MANE Select); coding-DNA position 172, T replaced by C.
Protein change: p.Phe58Leu; replaces phenylalanine 58 with leucine.
Molecular consequence: missense variant.
Genome position (GRCh38, 1-based): chr9:114,504,630, A>G on the plus strand (T>C on the coding strand, the complement: WHRN is on the minus strand). VCF-style: chr9-114504630-A-G. GRCh37 (hg19) VCF-style: chr9-117266910-A-G.
Other names: c.172T>C, p.Phe58Leu (NM_001173425.2); short protein forms F58L.
Identifiers: ClinVar variation 2046597 (VCV002046597.2), dbSNP rs770751909, ClinGen allele CA5206349.